The following is an entry in ClinVar:

NM_000214.3(JAG1):c.318C>A (p.Thr106=)

Gene: JAG1 (jagged canonical Notch ligand 1; minus strand). Cytogenetic location: 20p12.2.
Variant type: single nucleotide variant.
Coding change: c.318C>A on transcript NM_000214.3 (MANE Select); coding-DNA position 318, C replaced by A.
Protein change: p.Thr106=; no amino-acid change (threonine 106 retained).
Molecular consequence: synonymous variant.
Genome position (GRCh38, 1-based): chr20:10,672,770, G>T on the plus strand (C>A on the coding strand, the complement: JAG1 is on the minus strand). VCF-style: chr20-10672770-G-T. GRCh37 (hg19) VCF-style: chr20-10653418-G-T.
Identifiers: ClinVar variation 3573269 (VCV003573269.2).

Conditions:
Arteriohepatic dysplasia. Also called: Alagille Syndrome. Identifiers: Orphanet 52, MedGen C0085280, MeSH D016738, MONDO:0007318.

Submission:

Gilbert/Spinner Lab, Children's Hospital of Philadelphia
No classification provided (evidence only). Condition: Alagille syndrome. Review status: no classification provided. Collection method: research. Allele origin: not applicable. Functional consequence: functionally_abnormal.
ClinVar note: "not provided" was previously submitted as the classification for the variant. However, the classification appeared to be based only on an observation of functional data so it was converted to no classification on 2025-07-30.